The following is an entry in ClinVar:

ClinVar aggregate classification (germline): Benign. Review status: criteria provided, multiple submitters, no conflicts (2 of 4 stars). 2 submissions from 2 submitters: Benign (2). Last evaluated 2018-06-16.

Allele frequency attached by ClinVar (database versions not stated): 1000 Genomes Project 30x 0.29497; 1000 Genomes Project 0.30132; TOPMed 0.35172; gnomAD exomes 0.47687.

Submissions (2):

GeneDx
Classification: Benign. Last evaluated: 2018-06-16. Review status: criteria provided, single submitter. Criteria: GeneDx Variant Classification (06012015). Collection method: clinical testing. Allele origin: germline. Affected: yes.
Comment: This variant is considered likely benign or benign based on one or more of the following criteria: it is a conservative change, it occurs at a poorly conserved position in the protein, it is predicted to be benign by multiple in silico algorithms, and/or has population frequency not consistent with disease.

Breakthrough Genomics
Classification: Benign. Review status: criteria provided, single submitter. Criteria: ACMG Guidelines, 2015. Collection method: not provided. Allele origin: germline. Inheritance: Autosomal recessive inheritance. Affected: yes.

NM_001048166.1(STIL):c.45-118A>T

Gene: STIL (STIL centriolar assembly protein; minus strand). Cytogenetic location: 1p33.
Variant type: single nucleotide variant.
Coding change: c.45-118A>T on transcript NM_001048166.1 (MANE Select); 118 bases into the intron before coding-DNA position 45, A replaced by T.
Molecular consequence: intron variant.
Genome position (GRCh38, 1-based): chr1:47,305,114, T>A on the plus strand (A>T on the coding strand, the complement: STIL is on the minus strand). VCF-style: chr1-47305114-T-A. GRCh37 (hg19) VCF-style: chr1-47770786-T-A.
Other names: c.45-118A>T (NM_003035.2, NM_001282939.1, NM_001282938.1 and 2 more transcripts).
Identifiers: ClinVar variation 670141 (VCV000670141.2), dbSNP rs6692734, ClinGen allele CA10963277.